The following is an entry in ClinVar:

NM_014780.5(CUL7):c.4717C>T (p.Arg1573Ter)

Gene: CUL7 (cullin 7; minus strand). Cytogenetic location: 6p21.1.
Variant type: single nucleotide variant.
Coding change: c.4717C>T on transcript NM_014780.5 (MANE Select); coding-DNA position 4717, C replaced by T.
Protein change: p.Arg1573Ter; replaces arginine 1573 with a stop codon.
Molecular consequence: nonsense.
Genome position (GRCh38, 1-based): chr6:43,038,323, G>A on the plus strand (C>T on the coding strand, the complement: CUL7 is on the minus strand). VCF-style: chr6-43038323-G-A. GRCh37 (hg19) VCF-style: chr6-43006061-G-A.
Other names: c.4813C>T, p.Arg1605Ter (NM_001168370.2, NM_001374872.1); c.4729C>T, p.Arg1577Ter (NM_001374873.1); c.4714C>T, p.Arg1572Ter (NM_001374874.1); short protein forms R1573*, R1572*, R1577*, R1605*.
Identifiers: ClinVar variation 195894 (VCV000195894.21), dbSNP rs749509661, ClinGen allele CA275127.

ClinVar aggregate classification (germline): Pathogenic. Review status: criteria provided, multiple submitters, no conflicts (2 of 4 stars). 7 submissions from 7 submitters: Pathogenic (7). Last evaluated 2025-03-18.

Conditions:
CUL7-related disorder. Also called: CUL7-related condition.
Inborn genetic diseases. Identifiers: MedGen C0950123, MeSH D030342.
3M syndrome 1. Also called: 3-M Syndrome, CUL7-Related. Identifiers: Orphanet 2616, MedGen C2678312, MONDO:0010117, OMIM 273750.

Allele frequency attached by ClinVar (database versions not stated): ExAC 0.00001; gnomAD 0.00001; gnomAD exomes 0.00001; TOPMed 0.00001.
gnomAD v4.1: 12 of 1,614,020 alleles (0.00074%); highest among the groups gnomAD compares: East Asian, 0.0067%; no homozygotes.

Submissions (7):

Dasa
Classification: Pathogenic. Last evaluated: 2025-03-18. Review status: criteria provided, single submitter. Criteria: DASA Assertion Criteria. Collection method: clinical testing. Allele origin: germline.
Comment: NM_014780.5(CUL7):c.4717C>T (p.Arg1573*) introduces a premature termination codon predicted to result in loss of normal protein function. Loss-of-function is an established mechanism of disease for this gene. This variant has been observed in affected individuals with related phenotype in a genotype context consistent with recessive disease (PMID: 16142236; PMID: 37368379). This variant has been recurrently observed in individuals with related phenotype (PMID: 16142236; PMID: 37368379). The variant is present at low frequency in population datasets. Based on the available data, this variant is classified as pathogenic.

Labcorp Genetics (formerly Invitae), Labcorp
Classification: Pathogenic. Last evaluated: 2024-12-24. Review status: criteria provided, single submitter. Criteria: Invitae Variant Classification Sherloc (09022015). Collection method: clinical testing. Allele origin: germline.
Comment: This sequence change creates a premature translational stop signal (p.Arg1573*) in the CUL7 gene. It is expected to result in an absent or disrupted protein product. Loss-of-function variants in CUL7 are known to be pathogenic (PMID: 16142236, 17675530, 19225462). This variant is present in population databases (rs749509661, gnomAD 0.006%). This premature translational stop signal has been observed in individual(s) with 3-M syndrome (PMID: 16142236). ClinVar contains an entry for this variant (Variation ID: 195894). For these reasons, this variant has been classified as Pathogenic.

Genetics and Genomic Medicine Centre, NeuroGen Healthcare, NeuroGen Healthcare
Classification: Pathogenic for 3M syndrome 1. Last evaluated: 2021-09-21. Review status: criteria provided, single submitter. Criteria: Submitter's publication. Collection method: clinical testing. Allele origin: unknown. Affected: no.

Blueprint Genetics
Classification: Pathogenic for CUL7-related disorders. Last evaluated: 2019-03-14. Review status: criteria provided, single submitter. Criteria: ACMG Guidelines, 2015. Collection method: clinical testing. Allele origin: germline. Affected: yes. Observed: 1 variant allele.

Eurofins Ntd Llc (ga)
Classification: Pathogenic. Last evaluated: 2014-12-22. Review status: criteria provided, single submitter. Criteria: EGL Classification Definitions 2015. Collection method: clinical testing. Allele origin: germline. Observed: 3 variant alleles, 3 heterozygotes.

Ambry Genetics
Classification: Pathogenic for Inborn genetic diseases. Last evaluated: 2014-03-10. Review status: criteria provided, single submitter. Criteria: Ambry Autosomal Dominant and X-Linked criteria (10/2015). Collection method: clinical testing. Allele origin: germline. Observed: 1 variant allele.

Juno Genomics, Hangzhou Juno Genomics, Inc
Classification: Pathogenic for 3M syndrome 1. Review status: criteria provided, single submitter. Criteria: ACMG Guidelines, 2015. Collection method: clinical testing. Allele origin: germline.
Comment: Absent from controls (or at extremely low frequency if recessive) in Genome Aggregation Database.;Null variant in a gene where loss of function (LOF) is a known mechanism of disease.;For recessive disorders, detected in trans with a pathogenic variant.

Literature cited by the submitters: PubMed 16142236 (cited by Dasa and Labcorp Genetics (formerly Invitae), Labcorp); PubMed 37368379 (cited by Dasa); PubMed 17675530 (cited by Labcorp Genetics (formerly Invitae), Labcorp); PubMed 19225462 (cited by Labcorp Genetics (formerly Invitae), Labcorp).